The following is an entry in ClinVar:

ClinVar aggregate classification (germline): Uncertain significance (1 of 4 stars; one submission).

Conditions:
Propionic acidemia (PROP). Also called: GLYCINEMIA, KETOTIC; HYPERGLYCINEMIA WITH KETOACIDOSIS AND LEUKOPENIA; KETOTIC HYPERGLYCINEMIA. Identifiers: Orphanet 35, MedGen C0268579, MONDO:0011628, OMIM 606054, HP:0003571.

Submission:

Myriad Genetics, Inc.
Classification: Uncertain significance for Propionic acidemia. Last evaluated: 2025-09-17. Review status: criteria provided, single submitter. Criteria: Myriad Autosomal Dominant, Autosomal Recessive and X-Linked Classification Criteria (2023). Collection method: clinical testing. Allele origin: unknown.
Comment: NM_000532.4(PCCB):c.1607dupA(N536Kfs*38) is a frameshift variant that results in protein elongation classified as a variant of uncertain significance in the context of PCCB-related propionic acidemia. N536Kfs*38 has not been observed in cases with relevant disease. Relevant functional assessments of this variant are not available in the literature. N536Kfs*38 has not been observed in referenced population frequency databases. In summary, there is insufficient evidence to classify NM_000532.4(PCCB):c.1607dupA(N536Kfs*38) as pathogenic or benign. Please note: this variant was assessed in the context of healthy population screening.

NM_000532.5(PCCB):c.1607dup (p.Asn536fs)

Gene: PCCB (propionyl-CoA carboxylase subunit beta; plus strand). Cytogenetic location: 3q22.3.
Variant type: Duplication.
Coding change: c.1607dup on transcript NM_000532.5 (MANE Select); coding-DNA position 1607, one base duplicated (A; older notation c.1607dupA).
Protein change: p.Asn536fs; shifts the reading frame from asparagine 536.
Molecular consequence: frameshift variant.
Genome position (GRCh38, 1-based): chr3:136,330,013, A duplicated; the last of 3 consecutive A bases (chr3:136,330,011-136,330,013); duplicating any one gives the same sequence. VCF-style (leftmost placement, unchanged base first): chr3-136330010-C-CA. GRCh37 (hg19) VCF-style: chr3-136048852-C-CA.
Other names: c.1667dup, p.Asn556fs (NM_001178014.2); short protein forms N536fs, N556fs.
Identifiers: ClinVar variation 5004168 (VCV005004168.1).
Genomic context (GRCh38, chr3:136,330,010, plus strand): 5'-TCTGCTGTGACCTGGATGTCTTGGCCAGCAAGAAGGTACAACGTCCTTGGAGAAAACATG[C>CA]AAATATTCCATTGTAAACAAATCAAAGGAAAAGAAACCAAGAACTGAATTACTGTCTGCC-3'